The following is an entry in ClinVar:

ClinVar aggregate classification (germline): Benign. Review status: reviewed by expert panel (3 of 4 stars). 3 submissions from 3 submitters: Benign (1). 2 of the submissions do not count toward it. Last evaluated 2025-09-05.

Conditions:
RPGR-related retinopathy. Also called: RPGR retinopathy. Identifiers: MedGen CN305589, MONDO:0100437.
Primary ciliary dyskinesia. Also called: Ciliary dyskinesia. Identifiers: Orphanet 244, MedGen C0008780, MONDO:0016575, HP:0012265.

Allele frequency attached by ClinVar (database versions not stated): 1000 Genomes Project 30x 0.00021; 1000 Genomes Project 0.00026; gnomAD exomes 0.00044; gnomAD 0.00086; ExAC 0.00091.

Submissions (3):

ClinGen X-linked Inherited Retinal Disease Variant Curation Expert Panel, ClinGen
Classification: Benign for RPGR-related retinopathy. Last evaluated: 2025-09-05. Review status: reviewed by expert panel. Criteria: ClinGen X LinkedIRD ACMG Specifications RPGR V1.0.0. Collection method: curation. Allele origin: germline. Inheritance: X-linked inheritance.
Comment: NM_001034853.2(RPGR):c.3371T>A (p.Val1124Asp) is a missense variant causing substitution of valine by aspartic acid at amino acid 1124. This variant is present in gnomAD v4.1.0 at a frequency of 0.0005116 among hemizygous individuals, with 203 variant alleles / 396,827 total hemizygous alleles, which is higher than the ClinGen X-linked IRD VCEP BA1 threshold of >0.00005 (BA1). The computational predictor REVEL gives a score of 0.059, which is below the ClinGen X-linked IRD VCEP threshold of <0.183 and predicts a non-damaging effect on RPGR function. Additionally, the splicing impact predictor SpliceAI gives a delta score of 0.00, which is below the ClinGen X-linked IRD VCEP recommended threshold of <0.1 and does not strongly predict an impact on splicing (BP4_Moderate). In summary, this variant is classified as benign for RPGR-related retinopathy based on the ClinGen X-linked Inherited Retinal Disease Expert Panel Specifications to the ACMG/AMP Variant Interpretation Guidelines for RPGR Version 1.0.0; BA1 and BP4_Moderate.

Labcorp Genetics (formerly Invitae), Labcorp
Classification: Benign for Primary ciliary dyskinesia. Last evaluated: 2026-01-19. Review status: criteria provided, single submitter. Criteria: Invitae Variant Classification Sherloc (09022015). Collection method: clinical testing. Allele origin: germline. Not counted in ClinVar's aggregate classification.

Blueprint Genetics
Classification: Benign. Last evaluated: 2024-11-25. Review status: criteria provided, single submitter. Criteria: ACMG Guidelines, 2015. Collection method: clinical testing. Allele origin: germline. Not counted in ClinVar's aggregate classification.

NM_001034853.2(RPGR):c.3371T>A (p.Val1124Asp)

Gene: RPGR (retinitis pigmentosa GTPase regulator; minus strand). Cytogenetic location: Xp11.4.
Variant type: single nucleotide variant.
Coding change: c.3371T>A on transcript NM_001034853.2 (MANE Select); coding-DNA position 3371, T replaced by A.
Protein change: p.Val1124Asp; replaces valine 1124 with aspartic acid.
Molecular consequence: missense variant. On other transcripts: intron variant (8).
Genome position (GRCh38, 1-based): chrX:38,285,628, A>T on the plus strand (T>A on the coding strand, the complement: RPGR is on the minus strand). VCF-style: chrX-38285628-A-T. GRCh37 (hg19) VCF-style: chrX-38144881-A-T.
Other names: NM_001034853.2(RPGR):c.3371T>A; p.Val1124Asp; c.1569+5331T>A (NM_001367249.1, NM_001367250.1); c.1902+1466T>A (NM_001367245.1); c.1386+5331T>A (NM_001367251.1); c.1719+1466T>A (NM_001367246.1); c.1572+5331T>A (NM_001367247.1); c.1905+1466T>A (NM_000328.3); and 1 more; short protein forms V1124D.
Identifiers: ClinVar variation 3018813 (VCV003018813.5), dbSNP rs201671932, ClinGen allele CA10385150.